The following is an entry in ClinVar:

NM_001130009.3(GEN1):c.2042A>G (p.Lys681Arg)

Gene: GEN1 (GEN1 structure-specific endonuclease; plus strand). Cytogenetic location: 2p24.2.
Variant type: single nucleotide variant.
Coding change: c.2042A>G on transcript NM_001130009.3 (MANE Select); coding-DNA position 2042, A replaced by G.
Protein change: p.Lys681Arg; replaces lysine 681 with arginine.
Molecular consequence: missense variant.
Genome position (GRCh38, 1-based): chr2:17,781,254, A>G. VCF-style: chr2-17781254-A-G. GRCh37 (hg19) VCF-style: chr2-17962521-A-G.
Other names: c.2042A>G, p.Lys681Arg (NM_182625.5); short protein forms K681R.
Identifiers: ClinVar variation 4826293 (VCV004826293.1).

ClinVar aggregate classification (germline): Uncertain significance (1 of 4 stars; one submission).

Submission:

Ambry Genetics
Classification: Uncertain significance. Last evaluated: 2026-02-23. Review status: criteria provided, single submitter. Criteria: Ambry Variant Classification Scheme 2023. Collection method: clinical testing. Allele origin: germline.
Comment: The p.K681R variant (also known as c.2042A>G), located in coding exon 13 of the GEN1 gene, results from an A to G substitution at nucleotide position 2042. The lysine at codon 681 is replaced by arginine, an amino acid with highly similar properties. This amino acid position is conserved. In addition, this alteration is predicted to be tolerated by in silico analysis. Based on the available evidence, the clinical significance of this variant remains unclear.